The following is an entry in ClinVar:

ClinVar aggregate classification (germline): Uncertain significance (1 of 4 stars; one submission).

Submission:

GeneDx
Classification: Uncertain significance. Last evaluated: 2024-11-22. Review status: criteria provided, single submitter. Criteria: GeneDx Variant Classification Process June 2021. Collection method: clinical testing. Allele origin: germline. Affected: yes.
Comment: Not observed at significant frequency in large population cohorts (gnomAD); In silico analysis supports that this missense variant has a deleterious effect on protein structure/function; Missense variant in a gene in which most reported pathogenic variants are truncating/loss of function; Has not been previously published as pathogenic or benign to our knowledge

NM_004006.3(DMD):c.9828C>G (p.Ile3276Met)

Gene: DMD (dystrophin; minus strand). Cytogenetic location: Xp21.2.
Variant type: single nucleotide variant.
Coding change: c.9828C>G on transcript NM_004006.3 (MANE Select); coding-DNA position 9828, C replaced by G.
Protein change: p.Ile3276Met; replaces isoleucine 3276 with methionine.
Molecular consequence: missense variant.
Genome position (GRCh38, 1-based): chrX:31,182,884, G>C on the plus strand (C>G on the coding strand, the complement: DMD is on the minus strand). VCF-style: chrX-31182884-G-C. GRCh37 (hg19) VCF-style: chrX-31201001-G-C.
Other names: c.9816C>G, p.Ile3272Met (NM_004009.3); c.9459C>G, p.Ile3153Met (NM_004010.3); c.5805C>G, p.Ile1935Met (NM_004011.4); c.5796C>G, p.Ile1932Met (NM_004012.4); c.2448C>G, p.Ile816Met (NM_004013.3, NM_004020.4, NM_004021.3 and 2 more transcripts); c.1641C>G, p.Ile547Met (NM_004014.3); c.624C>G, p.Ile208Met (NM_004015.3, NM_004016.3, NM_004017.3 and 2 more transcripts); c.9804C>G, p.Ile3268Met (NM_000109.4); short protein forms I1932M, I1935M, I208M, I3153M, I3268M, I3272M, I3276M, I547M.
Identifiers: ClinVar variation 3900152 (VCV003900152.1).